The following is an entry in ClinVar:

NM_005612.5(REST):c.1266C>T (p.Val422=)

Gene: REST (RE1 silencing transcription factor; plus strand). Cytogenetic location: 4q12.
Variant type: single nucleotide variant.
Coding change: c.1266C>T on transcript NM_005612.5 (MANE Select); coding-DNA position 1266, C replaced by T.
Protein change: p.Val422=; no amino-acid change (valine 422 retained).
Molecular consequence: synonymous variant.
Genome position (GRCh38, 1-based): chr4:56,930,124, C>T. VCF-style: chr4-56930124-C-T. GRCh37 (hg19) VCF-style: chr4-57796290-C-T.
Other names: c.1266C>T, p.Val422= (NM_001193508.2, NM_001363453.3).
Identifiers: ClinVar variation 1137320 (VCV001137320.16), dbSNP rs201686693, ClinGen allele CA2932235.

ClinVar aggregate classification (germline): Likely benign. Review status: criteria provided, multiple submitters, no conflicts (2 of 4 stars). 2 submissions from 2 submitters: Likely benign (2). Last evaluated 2026-04-01.

Allele frequency attached by ClinVar (database versions not stated): ExAC 0.00002; gnomAD 0.00002; gnomAD exomes 0.00002 and 0.00004; TOPMed 0.00003.
gnomAD v4.1: 69 of 1,613,578 alleles (0.0043%); highest among the groups gnomAD compares: Non-Finnish European, 0.0055%; no homozygotes.

Submissions (2):

CeGaT Center for Human Genetics Tuebingen
Classification: Likely benign. Last evaluated: 2026-04-01. Review status: criteria provided, single submitter. Criteria: CeGaT Center For Human Genetics Tuebingen Variant Classification Criteria Version 2. Collection method: clinical testing. Allele origin: germline. Affected: yes. Observed: 2 variant alleles.
Comment: REST: BP4, BP7

Labcorp Genetics (formerly Invitae), Labcorp
Classification: Likely benign. Last evaluated: 2025-03-04. Review status: criteria provided, single submitter. Criteria: Invitae Variant Classification Sherloc (09022015). Collection method: clinical testing. Allele origin: germline.